The following is an entry in ClinVar:

ClinVar aggregate classification (germline): Pathogenic (1 of 4 stars; one submission).

Submission:

Labcorp Genetics (formerly Invitae), Labcorp
Classification: Pathogenic. Last evaluated: 2024-03-04. Review status: criteria provided, single submitter. Criteria: Invitae Variant Classification Sherloc (09022015). Collection method: clinical testing. Allele origin: germline.
Comment: This sequence change creates a premature translational stop signal (p.Thr246Leufs*8) in the RP2 gene. It is expected to result in an absent or disrupted protein product. Loss-of-function variants in RP2 are known to be pathogenic (PMID: 11992260, 20625056). This variant is not present in population databases (gnomAD no frequency). This variant has not been reported in the literature in individuals affected with RP2-related conditions. ClinVar contains an entry for this variant (Variation ID: 1072062). Algorithms developed to predict the effect of sequence changes on RNA splicing suggest that this variant may disrupt the consensus splice site. For these reasons, this variant has been classified as Pathogenic.

Literature cited by the submitters: PubMed 11992260; PubMed 20625056.

NM_006915.3(RP2):c.736del (p.Thr246fs)

Gene: RP2 (RP2 activator of ARL3 GTPase; plus strand). Cytogenetic location: Xp11.3.
Variant type: Deletion.
Coding change: c.736del on transcript NM_006915.3 (MANE Select); coding-DNA position 736, one base deleted (A; older notation c.736delA).
Protein change: p.Thr246fs; shifts the reading frame from threonine 246.
Molecular consequence: frameshift variant.
Genome position (GRCh38, 1-based): chrX:46,854,109, A deleted. VCF-style (leftmost placement, unchanged base first): chrX-46854108-CA-C. GRCh37 (hg19) VCF-style: chrX-46713543-CA-C.
Other names: short protein forms T246fs.
Identifiers: ClinVar variation 1072062 (VCV001072062.7), dbSNP rs2147081585, ClinGen allele CA2499226735.